The following is an entry in ClinVar:

NM_006949.4(STXBP2):c.87+2T>C

Gene: STXBP2 (syntaxin binding protein 2; plus strand). Cytogenetic location: 19p13.2.
Variant type: single nucleotide variant.
Coding change: c.87+2T>C on transcript NM_006949.4 (MANE Select); the canonical splice donor site of the intron after coding-DNA position 87, T replaced by C.
Molecular consequence: splice donor variant.
Genome position (GRCh38, 1-based): chr19:7,638,777, T>C. VCF-style: chr19-7638777-T-C. GRCh37 (hg19) VCF-style: chr19-7703663-T-C.
Other names: c.-10+2T>C (NM_001414484.1); c.87+2T>C (NM_001272034.2, NM_001127396.3).
Identifiers: ClinVar variation 2679083 (VCV002679083.4), dbSNP rs1599389041, ClinGen allele CA403155275.

ClinVar aggregate classification (germline): Pathogenic/Likely pathogenic. Review status: criteria provided, multiple submitters, no conflicts (2 of 4 stars). 2 submissions from 2 submitters: Pathogenic (1); Likely pathogenic (1). Last evaluated 2024-10-09.

Conditions:
Familial hemophagocytic lymphohistiocytosis 5. Also called: STXBP2-Related Familial Hemophagocytic Lymphohistiocytosis (STXBP2-fHLH). Identifiers: Orphanet 540, MedGen C2751293, MONDO:0013135, OMIM 613101.

gnomAD v4.1: 2 of 1,613,914 alleles (0.00012%); highest among the groups gnomAD compares: Non-Finnish European, 0.00017%; no homozygotes.

Submissions (2):

Labcorp Genetics (formerly Invitae), Labcorp
Classification: Likely pathogenic for Familial hemophagocytic lymphohistiocytosis 5. Last evaluated: 2024-10-09. Review status: criteria provided, single submitter. Criteria: Invitae Variant Classification Sherloc (09022015). Collection method: clinical testing. Allele origin: germline.
Comment: This sequence change affects a donor splice site in intron 2 of the STXBP2 gene. It is expected to disrupt RNA splicing. Variants that disrupt the donor or acceptor splice site typically lead to a loss of protein function (PMID: 16199547), and loss-of-function variants in STXBP2 are known to be pathogenic (PMID: 19804848, 22451424). This variant is not present in population databases (gnomAD no frequency). Disruption of this splice site has been observed in individual(s) with familial hemophagocytic lymphohistiocytosis type 5 (PMID: 22451424). Algorithms developed to predict the effect of sequence changes on RNA splicing suggest that this variant may disrupt the consensus splice site. In summary, the currently available evidence indicates that the variant is pathogenic, but additional data are needed to prove that conclusively. Therefore, this variant has been classified as Likely Pathogenic.

Baylor Genetics
Classification: Pathogenic for Familial hemophagocytic lymphohistiocytosis 5. Last evaluated: 2023-04-06. Review status: criteria provided, single submitter. Criteria: ACMG Guidelines, 2015. Collection method: clinical testing. Allele origin: unknown.

Literature cited by the submitters: PubMed 16199547 (cited by Labcorp Genetics (formerly Invitae), Labcorp); PubMed 19804848 (cited by Labcorp Genetics (formerly Invitae), Labcorp); PubMed 22451424 (cited by Labcorp Genetics (formerly Invitae), Labcorp).